The following is an entry in ClinVar:

ClinVar aggregate classification (germline): Pathogenic. Review status: criteria provided, single submitter (1 of 4 stars). 2 submissions from 2 submitters: Pathogenic (1). 1 of the submissions does not count toward it. Last evaluated 2026-01-30.

Submissions (2):

GeneDx
Classification: Pathogenic. Last evaluated: 2026-01-30. Review status: criteria provided, single submitter. Criteria: GeneDx Variant Classification Process June 2021. Collection method: clinical testing. Allele origin: germline.
Comment: Has been observed in a patient with clinical features of KRT1-related disorder in the published literature (PMID: 11558869); Located in the highly conserved helix initiation motif of the alpha-helical rod domain, which is intolerant to change; variants in this motif interfere with proper keratin intermediate filament assembly and function, resulting in skin fragility and/or hyperkeratosis (PMID: 21176769, 21271994, 26176760); In silico analysis supports that this missense variant has a deleterious effect on protein structure/function; Not observed at significant frequency in large population cohorts (gnomAD); This variant is associated with the following publications: (PMID: 21176769, 21271994, 26176760, 11558869, 14708600)

Epithelial Biology;  Institute of Medical Biology, Singapore
No classification provided. Review status: no classification provided. Collection method: not provided. Allele origin: not provided. Not counted in ClinVar's aggregate classification.

NM_006121.4(KRT1):c.572T>G (p.Phe191Cys)

Gene: KRT1 (keratin 1; minus strand). Cytogenetic location: 12q13.13.
Variant type: single nucleotide variant.
Coding change: c.572T>G on transcript NM_006121.4 (MANE Select); coding-DNA position 572, T replaced by G.
Protein change: p.Phe191Cys; replaces phenylalanine 191 with cysteine.
Molecular consequence: missense variant.
Genome position (GRCh38, 1-based): chr12:52,679,777, A>C on the plus strand (T>G on the coding strand, the complement: KRT1 is on the minus strand). VCF-style: chr12-52679777-A-C. GRCh37 (hg19) VCF-style: chr12-53073561-A-C.
Other names: short protein forms F191C.
Identifiers: ClinVar variation 66652 (VCV000066652.2), dbSNP rs58008716, ClinGen allele CA217460.